The following is an entry in ClinVar:

NM_001371194.2(SEMA4D):c.1588G>A (p.Val530Met)

Gene: SEMA4D (semaphorin 4D; minus strand). Cytogenetic location: 9q22.2.
Variant type: single nucleotide variant.
Coding change: c.1588G>A on transcript NM_001371194.2 (MANE Select); coding-DNA position 1588, G replaced by A.
Protein change: p.Val530Met; replaces valine 530 with methionine.
Molecular consequence: missense variant.
Genome position (GRCh38, 1-based): chr9:89,381,205, C>T on the plus strand (G>A on the coding strand, the complement: SEMA4D is on the minus strand). VCF-style: chr9-89381205-C-T. GRCh37 (hg19) VCF-style: chr9-91996120-C-T.
Other names: c.1588G>A, p.Val530Met (NM_001142287.2, NM_001371195.1, NM_001371196.1 and 7 more transcripts); short protein forms V530M.
Identifiers: ClinVar variation 3040940 (VCV003040940.2), dbSNP rs145920058, ClinGen allele CA5118315.

ClinVar aggregate classification (germline): Likely benign (0 of 4 stars; one submission).

Conditions:
SEMA4D-related disorder. Also called: SEMA4D-related condition.

Allele frequency attached by ClinVar (database versions not stated): gnomAD exomes 0.00027; ExAC 0.00085; 1000 Genomes Project 0.00180; 1000 Genomes Project 30x 0.00187; ESP Exome Variant Server 0.00192; gnomAD 0.00199; TOPMed 0.00221.

Submission:

PreventionGenetics, part of Exact Sciences
Classification: Likely benign for SEMA4D-related condition. Last evaluated: 2019-09-17. Review status: no assertion criteria provided. Collection method: clinical testing. Allele origin: germline.
Comment: This variant is classified as likely benign based on ACMG/AMP sequence variant interpretation guidelines (Richards et al. 2015 PMID: 25741868, with internal and published modifications).